The following is an entry in ClinVar:

NM_000287.4(PEX6):c.1091A>G (p.Gln364Arg)

Gene: PEX6 (peroxisomal biogenesis factor 6; minus strand). Cytogenetic location: 6p21.1.
Variant type: single nucleotide variant.
Coding change: c.1091A>G on transcript NM_000287.4 (MANE Select); coding-DNA position 1091, A replaced by G.
Protein change: p.Gln364Arg; replaces glutamine 364 with arginine.
Molecular consequence: missense variant. On other transcripts: non-coding transcript variant (1).
Genome position (GRCh38, 1-based): chr6:42,974,042, T>C on the plus strand (A>G on the coding strand, the complement: PEX6 is on the minus strand). VCF-style: chr6-42974042-T-C. GRCh37 (hg19) VCF-style: chr6-42941780-T-C.
Other names: c.827A>G, p.Gln276Arg (NM_001316313.2); short protein forms Q276R, Q364R.
Identifiers: ClinVar variation 1393166 (VCV001393166.8), dbSNP rs1282588166, ClinGen allele CA364158287.

ClinVar aggregate classification (germline): Uncertain significance (1 of 4 stars; one submission).

Conditions:
Peroxisome biogenesis disorder. Identifiers: Orphanet 79189, MedGen C1832200, MONDO:0019234. Disease mechanism: loss of function.

Allele frequency attached by ClinVar (database versions not stated): gnomAD exomes below 0.00001.
gnomAD v4.1: 2 of 1,614,102 alleles (0.00012%); highest among the groups gnomAD compares: Non-Finnish European, 0.00017%; no homozygotes.

Submission:

Labcorp Genetics (formerly Invitae), Labcorp
Classification: Uncertain significance for Peroxisome biogenesis disorder. Last evaluated: 2025-01-13. Review status: criteria provided, single submitter. Criteria: Invitae Variant Classification Sherloc (09022015). Collection method: clinical testing. Allele origin: germline.
Comment: This sequence change replaces glutamine, which is neutral and polar, with arginine, which is basic and polar, at codon 364 of the PEX6 protein (p.Gln364Arg). This variant is present in population databases (no rsID available, gnomAD 0.0009%). This variant has not been reported in the literature in individuals affected with PEX6-related conditions. ClinVar contains an entry for this variant (Variation ID: 1393166). Invitae Evidence Modeling of protein sequence and biophysical properties (such as structural, functional, and spatial information, amino acid conservation, physicochemical variation, residue mobility, and thermodynamic stability) indicates that this missense variant is not expected to disrupt PEX6 protein function with a negative predictive value of 95%. In summary, the available evidence is currently insufficient to determine the role of this variant in disease. Therefore, it has been classified as a Variant of Uncertain Significance.